The following is an entry in ClinVar:

ClinVar aggregate classification (germline): Uncertain significance (1 of 4 stars; one submission).

Conditions:
Cardiovascular phenotype. Identifiers: MedGen CN230736.

Allele frequency attached by ClinVar (database versions not stated): gnomAD 0.00001; gnomAD exomes 0.00001; ExAC 0.00016.

Submission:

Ambry Genetics
Classification: Uncertain significance for Cardiovascular phenotype. Last evaluated: 2021-10-29. Review status: criteria provided, single submitter. Criteria: Ambry Variant Classification Scheme 2023. Collection method: clinical testing. Allele origin: germline.
Comment: The p.S127L variant (also known as c.380C>T), located in coding exon 1 of the ZNF469 gene, results from a C to T substitution at nucleotide position 380. The serine at codon 127 is replaced by leucine, an amino acid with dissimilar properties. This amino acid position is conserved. In addition, this alteration is predicted to be tolerated by in silico analysis. Since supporting evidence is limited at this time, the clinical significance of this alteration remains unclear.

NM_001367624.2(ZNF469):c.380C>T (p.Ser127Leu)

Gene: ZNF469 (zinc finger protein 469; plus strand). Cytogenetic location: 16q24.2.
Variant type: single nucleotide variant.
Coding change: c.380C>T on transcript NM_001367624.2 (MANE Select); coding-DNA position 380, C replaced by T.
Protein change: p.Ser127Leu; replaces serine 127 with leucine.
Molecular consequence: missense variant.
Genome position (GRCh38, 1-based): chr16:88,427,850, C>T. VCF-style: chr16-88427850-C-T. GRCh37 (hg19) VCF-style: chr16-88494258-C-T.
Other names: NM_001127464.1:c.380C>T; short protein forms S127L.
Identifiers: ClinVar variation 1735134 (VCV001735134.2), dbSNP rs765601628, ClinGen allele CA8224584.